The following is an entry in ClinVar:

ClinVar aggregate classification (germline): Uncertain significance. Review status: criteria provided, multiple submitters, no conflicts (2 of 4 stars). 3 submissions from 3 submitters: Uncertain significance (3). Last evaluated 2025-11-10.

Conditions:
Inborn genetic diseases. Identifiers: MedGen C0950123, MeSH D030342.

Allele frequency attached by ClinVar (database versions not stated): ExAC 0.00001; TOPMed 0.00001; gnomAD 0.00002; gnomAD exomes 0.00002; ESP Exome Variant Server 0.00008.
gnomAD v4.1: 39 of 1,613,906 alleles (0.0024%); highest among the groups gnomAD compares: Non-Finnish European, 0.0031%; no homozygotes.

Submissions (3):

Labcorp Genetics (formerly Invitae), Labcorp
Classification: Uncertain significance. Last evaluated: 2025-11-10. Review status: criteria provided, single submitter. Criteria: Invitae Variant Classification Sherloc (09022015). Collection method: clinical testing. Allele origin: germline.
Comment: This sequence change replaces aspartic acid, which is acidic and polar, with glycine, which is neutral and non-polar, at codon 758 of the NFKB1 protein (p.Asp758Gly). This variant is present in population databases (rs368017285, gnomAD 0.004%). This variant has not been reported in the literature in individuals affected with NFKB1-related conditions. ClinVar contains an entry for this variant (Variation ID: 986117). Invitae Evidence Modeling of protein sequence and biophysical properties (such as structural, functional, and spatial information, amino acid conservation, physicochemical variation, residue mobility, and thermodynamic stability) indicates that this missense variant is not expected to disrupt NFKB1 protein function with a negative predictive value of 80%. In summary, the available evidence is currently insufficient to determine the role of this variant in disease. Therefore, it has been classified as a Variant of Uncertain Significance.

Blueprint Genetics
Classification: Uncertain significance. Last evaluated: 2021-12-22. Review status: criteria provided, single submitter. Criteria: ACMG Guidelines, 2015. Collection method: clinical testing. Allele origin: germline.

Ambry Genetics
Classification: Uncertain significance for Inborn genetic diseases. Last evaluated: 2020-06-25. Review status: criteria provided, single submitter. Criteria: Ambry Variant Classification Scheme 2023. Collection method: clinical testing. Allele origin: germline.
Comment: The c.2273A>G (p.D758G) alteration is located in exon 20 (coding exon 19) of the NFKB1 gene. This alteration results from a A to G substitution at nucleotide position 2273, causing the aspartic acid (D) at amino acid position 758 to be replaced by a glycine (G). Based on data from the Genome Aggregation Database (gnomAD) database, the NFKB1 c.2273A>G alteration was observed in 0.002% (5/251,412) of total alleles studied, with a frequency of 0.004% (5/113,694) in the European (non-Finnish) subpopulation. The p.D758 amino acid is conserved in available vertebrate species through mammals. The p.D758G alteration is predicted to be tolerated by in silico analysis. Based on insufficient or conflicting evidence, the clinical significance of this alteration remains unclear.

NM_003998.4(NFKB1):c.2273A>G (p.Asp758Gly)

Gene: NFKB1 (nuclear factor kappa B subunit 1; plus strand). Cytogenetic location: 4q24.
Variant type: single nucleotide variant.
Coding change: c.2273A>G on transcript NM_003998.4 (MANE Select); coding-DNA position 2273, A replaced by G.
Protein change: p.Asp758Gly; replaces aspartic acid 758 with glycine.
Molecular consequence: missense variant.
Genome position (GRCh38, 1-based): chr4:102,610,620, A>G. VCF-style: chr4-102610620-A-G. GRCh37 (hg19) VCF-style: chr4-103531777-A-G.
Other names: c.2270A>G, p.Asp757Gly (NM_001382627.1, NM_001165412.2, NM_001319226.2); c.2231A>G, p.Asp744Gly (NM_001382628.1); c.2273A>G, p.Asp758Gly (NM_001382625.1, NM_001382626.1); short protein forms D744G, D757G, D758G.
Identifiers: ClinVar variation 986117 (VCV000986117.9), dbSNP rs368017285, ClinGen allele CA3026381.